The following is an entry in ClinVar:

ClinVar aggregate classification (germline): Uncertain significance (0 of 4 stars; one submission).

Conditions:
TG-related disorder. Also called: TG-related condition; TG-related disorders.

gnomAD v4.1: 1 of 1,614,210 alleles (0.000062%); highest among the groups gnomAD compares: Non-Finnish European, 0.000085%; no homozygotes.

Submission:

PreventionGenetics, part of Exact Sciences
Classification: Uncertain significance for TG-related condition. Last evaluated: 2024-03-12. Review status: no assertion criteria provided. Collection method: clinical testing. Allele origin: germline.
Comment: The TG c.6737C>T variant is predicted to result in the amino acid substitution p.Pro2246Leu. To our knowledge, this variant has not been reported in the literature or in a large population database, indicating this variant is rare. At this time, the clinical significance of this variant is uncertain due to the absence of conclusive functional and genetic evidence.

NM_003235.5(TG):c.6737C>T (p.Pro2246Leu)

Gene: TG (thyroglobulin; plus strand). Cytogenetic location: 8q24.22.
Variant type: single nucleotide variant.
Coding change: c.6737C>T on transcript NM_003235.5 (MANE Select); coding-DNA position 6737, C replaced by T.
Protein change: p.Pro2246Leu; replaces proline 2246 with leucine.
Molecular consequence: missense variant.
Genome position (GRCh38, 1-based): chr8:133,017,952, C>T. VCF-style: chr8-133017952-C-T. GRCh37 (hg19) VCF-style: chr8-134030197-C-T.
Other names: short protein forms P2246L.
Identifiers: ClinVar variation 3350203 (VCV003350203.1).
Genomic context (GRCh38, chr8:133,017,952, plus strand): 5'-ACCAGTTCCTTGGAGTTCCATATGCTGCCCCGCCCCTGGCAGAGAGGCGCTTCCAGGCAC[C>T]AGAGCCCTTGAACTGGACAGGCTCCTGGGATGCCAGCAAGCCAAGGTATGGGTTGAGTGG-3'
Protein context (NP_003226.4, residues 2236-2256): PPLAERRFQA[Pro2246Leu]EPLNWTGSWD